The following is an entry in ClinVar:

NM_006371.5(CRTAP):c.1031C>A (p.Thr344Asn)

Gene: CRTAP (cartilage associated protein; plus strand). Cytogenetic location: 3p22.3.
Variant type: single nucleotide variant.
Coding change: c.1031C>A on transcript NM_006371.5 (MANE Select); coding-DNA position 1031, C replaced by A.
Protein change: p.Thr344Asn; replaces threonine 344 with asparagine.
Molecular consequence: missense variant.
Genome position (GRCh38, 1-based): chr3:33,132,663, C>A. VCF-style: chr3-33132663-C-A. GRCh37 (hg19) VCF-style: chr3-33174155-C-A.
Other names: c.1031C>A, p.Thr344Asn (NM_001393363.1); c.902C>A, p.Thr301Asn (NM_001393364.1); c.881C>A, p.Thr294Asn (NM_001393365.1); short protein forms T344N, T294N, T301N.
Identifiers: ClinVar variation 1368649 (VCV001368649.6), dbSNP rs1305456639, ClinGen allele CA351997695.
Genomic context (GRCh38, chr3:33,132,663, plus strand): 5'-TTGATCAGAATGACAAGGTCATGCAGCAGAACCTGGTGTATTACCAGTACCACAGGGACA[C>A]TTGGGGCCTCTCGGATGAGCACTTCCAGCCCAGACCTGTAAGTCTGGTGCACCACACCTT-3'
Protein context (NP_006362.1, residues 334-354): NLVYYQYHRD[Thr344Asn]WGLSDEHFQP

ClinVar aggregate classification (germline): Uncertain significance (1 of 4 stars; one submission).

Conditions:
Osteogenesis imperfecta type 7 (OI7). Also called: OSTEOGENESIS IMPERFECTA, TYPE IIB; Osteogenesis imperfecta type 2B; OI type 2B; Osteogenesis imperfecta, perinatal lethal autosomal recessive; OI type IIB; OI type 7. Identifiers: MedGen C1853162, MONDO:0012536, OMIM 610682.

gnomAD v4.1: 3 of 1,614,094 alleles (0.00019%); highest among the groups gnomAD compares: Admixed American, 0.0017%; no homozygotes.

Submission:

Labcorp Genetics (formerly Invitae), Labcorp
Classification: Uncertain significance for Osteogenesis imperfecta type 7. Last evaluated: 2021-08-02. Review status: criteria provided, single submitter. Criteria: Invitae Variant Classification Sherloc (09022015). Collection method: clinical testing. Allele origin: germline.
Comment: In summary, the available evidence is currently insufficient to determine the role of this variant in disease. Therefore, it has been classified as a Variant of Uncertain Significance. Algorithms developed to predict the effect of missense changes on protein structure and function (SIFT, PolyPhen-2, Align-GVGD) all suggest that this variant is likely to be tolerated. This variant has not been reported in the literature in individuals affected with CRTAP-related conditions. This variant is not present in population databases (ExAC no frequency). This sequence change replaces threonine with asparagine at codon 344 of the CRTAP protein (p.Thr344Asn). The threonine residue is weakly conserved and there is a small physicochemical difference between threonine and asparagine.